The following is an entry in ClinVar:

ClinVar aggregate classification (germline): Uncertain significance (1 of 4 stars; one submission).

Conditions:
Ataxia-telangiectasia syndrome (AT). Also called: LOUIS-BAR SYNDROME; Cerebello-oculocutaneous telangiectasia; Immunodeficiency with ataxia telangiectasia; ATAXIA-TELANGIECTASIA, COMPLEMENTATION GROUP A; ATAXIA-TELANGIECTASIA, FRESNO VARIANT; Ataxia-telangiectasia, complementation group D. Identifiers: Orphanet 100, MedGen C0004135, MONDO:0008840, OMIM 208900.

Submission:

Labcorp Genetics (formerly Invitae), Labcorp
Classification: Uncertain significance for Ataxia-telangiectasia syndrome. Last evaluated: 2024-05-14. Review status: criteria provided, single submitter. Criteria: Invitae Variant Classification Sherloc (09022015). Collection method: clinical testing. Allele origin: germline.
Comment: This sequence change replaces isoleucine, which is neutral and non-polar, with serine, which is neutral and polar, at codon 149 of the ATM protein (p.Ile149Ser). This variant is not present in population databases (gnomAD no frequency). This variant has not been reported in the literature in individuals affected with ATM-related conditions. An algorithm developed to predict the effect of missense changes on protein structure and function (PolyPhen-2) suggests that this variant is likely to be disruptive. In summary, the available evidence is currently insufficient to determine the role of this variant in disease. Therefore, it has been classified as a Variant of Uncertain Significance.

NM_000051.4(ATM):c.446T>G (p.Ile149Ser)

Gene: ATM (ATM serine/threonine kinase; plus strand). Cytogenetic location: 11q22.3.
Variant type: single nucleotide variant.
Coding change: c.446T>G on transcript NM_000051.4 (MANE Select); coding-DNA position 446, T replaced by G.
Protein change: p.Ile149Ser; replaces isoleucine 149 with serine.
Molecular consequence: missense variant.
Genome position (GRCh38, 1-based): chr11:108,235,784, T>G. VCF-style: chr11-108235784-T-G. GRCh37 (hg19) VCF-style: chr11-108106511-T-G.
Other names: c.446T>G, p.Ile149Ser (NM_001351834.2); short protein forms I149S.
Identifiers: ClinVar variation 3653280 (VCV003653280.2).